The following is an entry in ClinVar:

NM_001142305.2(ZNF771):c.486C>T (p.Tyr162=)

Gene: ZNF771 (zinc finger protein 771; plus strand). Cytogenetic location: 16p11.2.
Variant type: single nucleotide variant.
Coding change: c.486C>T on transcript NM_001142305.2 (MANE Select); coding-DNA position 486, C replaced by T.
Protein change: p.Tyr162=; no amino-acid change (tyrosine 162 retained).
Molecular consequence: synonymous variant.
Genome position (GRCh38, 1-based): chr16:30,417,899, C>T. VCF-style: chr16-30417899-C-T. GRCh37 (hg19) VCF-style: chr16-30429220-C-T.
Other names: c.486C>T, p.Tyr162= (NM_016643.4).
Identifiers: ClinVar variation 3905969 (VCV003905969.10).

ClinVar aggregate classification (germline): Likely benign (1 of 4 stars; one submission).

gnomAD v4.1: 2 of 1,516,254 alleles (0.00013%); highest among the groups gnomAD compares: South Asian, 0.0012%; no homozygotes.

Submission:

CeGaT Center for Human Genetics Tuebingen
Classification: Likely benign. Last evaluated: 2025-06-01. Review status: criteria provided, single submitter. Criteria: CeGaT Center For Human Genetics Tuebingen Variant Classification Criteria Version 2. Collection method: clinical testing. Allele origin: germline. Affected: yes. Observed: 1 variant allele.
Comment: ZNF771: BP4, BP7